The following is an entry in ClinVar:

ClinVar aggregate classification (germline): Pathogenic/Likely pathogenic. Review status: criteria provided, multiple submitters, no conflicts (2 of 4 stars). 4 submissions from 4 submitters: Pathogenic (3); Likely pathogenic (1). Last evaluated 2026-10-13.

Conditions:
Ichthyosis vulgaris. Also called: Dominant ichthyosis vulgaris; ICHTHYOSIS SIMPLEX. Identifiers: MedGen C0079584, MONDO:0024304, OMIM 146700.

Allele frequency attached by ClinVar (database versions not stated): gnomAD exomes 0.00003 and 0.00008; gnomAD 0.00006; TOPMed 0.00033; ExAC 0.00050; 1000 Genomes Project 30x 0.00094; 1000 Genomes Project 0.00100.

Submissions (4):

GeneDx
Classification: Pathogenic. Last evaluated: 2026-10-13. Review status: criteria provided, single submitter. Criteria: GeneDx Variant Classification Process June 2021. Collection method: clinical testing. Allele origin: germline.
Comment: Observed with a second pathogenic FLG variant in multiple individuals with FLG-related ichthyosis vulgaris-atopy spectrum disorder tested at GeneDx and reported in the published literature (PMID: 32018027); Nonsense variant predicted to result in protein truncation, as the last 1033 amino acid(s) are lost, and other loss-of-function variants have been reported downstream in HGMD; This variant is associated with the following publications: (PMID: 32018027, 36308042, 16444271)

Genome-Nilou Lab
Classification: Pathogenic for Ichthyosis vulgaris. Last evaluated: 2023-04-11. Review status: criteria provided, single submitter. Criteria: ACMG Guidelines, 2015. Collection method: clinical testing. Allele origin: germline. Affected: no.

CeGaT Center for Human Genetics Tuebingen
Classification: Likely pathogenic. Last evaluated: 2022-09-01. Review status: criteria provided, single submitter. Criteria: CeGaT Center For Human Genetics Tuebingen Variant Classification Criteria Version 2. Collection method: clinical testing. Allele origin: germline. Affected: yes. Observed: 1 variant allele.
Comment: FLG: PVS1

Mendelics
Classification: Pathogenic for Ichthyosis vulgaris. Last evaluated: 2022-05-04. Review status: criteria provided, single submitter. Criteria: Mendelics Assertion Criteria 2019. Collection method: clinical testing. Allele origin: germline.

NM_002016.2(FLG):c.9085C>T (p.Gln3029Ter)

Genes: CCDST (cervical cancer associated DHX9 suppressive transcript; plus strand), FLG (filaggrin; minus strand). Cytogenetic location: 1q21.3.
Variant type: single nucleotide variant.
Coding change: c.9085C>T on transcript NM_002016.2 (MANE Select); coding-DNA position 9085, C replaced by T.
Protein change: p.Gln3029Ter; replaces glutamine 3029 with a stop codon.
Molecular consequence: nonsense.
Genome position (GRCh38, 1-based): chr1:152,305,801, G>A on the plus strand (C>T on the coding strand, the complement: FLG is on the minus strand). VCF-style: chr1-152305801-G-A. GRCh37 (hg19) VCF-style: chr1-152278277-G-A.
Other names: short protein forms Q3029*.
Identifiers: ClinVar variation 817526 (VCV000817526.34), dbSNP rs564628353, ClinGen allele CA1103931.